The following is an entry in ClinVar:

NM_020461.4(TUBGCP6):c.3958C>T (p.Arg1320Trp)

Gene: TUBGCP6 (tubulin gamma complex component 6; minus strand). Cytogenetic location: 22q13.33.
Variant type: single nucleotide variant.
Coding change: c.3958C>T on transcript NM_020461.4 (MANE Select); coding-DNA position 3958, C replaced by T.
Protein change: p.Arg1320Trp; replaces arginine 1320 with tryptophan.
Molecular consequence: missense variant.
Genome position (GRCh38, 1-based): chr22:50,220,401, G>A on the plus strand (C>T on the coding strand, the complement: TUBGCP6 is on the minus strand). VCF-style: chr22-50220401-G-A. GRCh37 (hg19) VCF-style: chr22-50658830-G-A.
Other names: short protein forms R1320W.
Identifiers: ClinVar variation 937728 (VCV000937728.10), dbSNP rs149423531, ClinGen allele CA10307774.

ClinVar aggregate classification (germline): Uncertain significance. Review status: criteria provided, multiple submitters, no conflicts (2 of 4 stars). 3 submissions from 3 submitters: Uncertain significance (3). Last evaluated 2025-11-24.

Conditions:
Inborn genetic diseases. Identifiers: MedGen C0950123, MeSH D030342.

Allele frequency attached by ClinVar (database versions not stated): ExAC 0.00002; gnomAD exomes 0.00002 and 0.00003; ESP Exome Variant Server 0.00008; gnomAD 0.00010 and 0.00011; TOPMed 0.00013.
gnomAD v4.1: 39 of 1,578,452 alleles (0.0025%); highest among the groups gnomAD compares: African/African-American, 0.028%; no homozygotes.

Submissions (3):

Ambry Genetics
Classification: Uncertain significance for Inborn genetic diseases. Last evaluated: 2025-11-24. Review status: criteria provided, single submitter. Criteria: Ambry Variant Classification Scheme 2023. Collection method: clinical testing. Allele origin: germline.

Labcorp Genetics (formerly Invitae), Labcorp
Classification: Uncertain significance. Last evaluated: 2025-01-27. Review status: criteria provided, single submitter. Criteria: Invitae Variant Classification Sherloc (09022015). Collection method: clinical testing. Allele origin: germline.
Comment: This sequence change replaces arginine, which is basic and polar, with tryptophan, which is neutral and slightly polar, at codon 1320 of the TUBGCP6 protein (p.Arg1320Trp). This variant is present in population databases (rs149423531, gnomAD 0.02%). This variant has not been reported in the literature in individuals affected with TUBGCP6-related conditions. ClinVar contains an entry for this variant (Variation ID: 937728). An algorithm developed to predict the effect of missense changes on protein structure and function (PolyPhen-2) suggests that this variant is likely to be disruptive. In summary, the available evidence is currently insufficient to determine the role of this variant in disease. Therefore, it has been classified as a Variant of Uncertain Significance.

GeneDx
Classification: Uncertain significance. Last evaluated: 2022-06-30. Review status: criteria provided, single submitter. Criteria: GeneDx Variant Classification Process June 2021. Collection method: clinical testing. Allele origin: germline. Affected: yes.
Comment: In silico analysis supports that this missense variant has a deleterious effect on protein structure/function; Has not been previously published as pathogenic or benign to our knowledge